The following is an entry in ClinVar:

ClinVar aggregate classification (germline): Uncertain significance (1 of 4 stars; one submission).

Conditions:
Treacher Collins syndrome 4. Identifiers: MedGen C5394546, MONDO:0030067, OMIM 618939.

Submission:

3billion
Classification: Uncertain significance for Treacher Collins syndrome 4. Last evaluated: 2023-02-23. Review status: criteria provided, single submitter. Criteria: ACMG Guidelines, 2015. Collection method: clinical testing. Allele origin: unknown. Affected: yes.
Comment: The variant is not observed in the gnomAD v2.1.1 dataset. Missense changes are a common disease-causing mechanism. In silico tool predictions suggest damaging effect of the variant on gene or gene product (REVEL: 0.89; 3Cnet: 0.82). Therefore, this variant is classified as VUS according to the recommendation of ACMG/AMP guideline.

NM_019014.6(POLR1B):c.1496C>T (p.Pro499Leu)

Gene: POLR1B (RNA polymerase I subunit B; plus strand). Cytogenetic location: 2q14.1.
Variant type: single nucleotide variant.
Coding change: c.1496C>T on transcript NM_019014.6 (MANE Select); coding-DNA position 1496, C replaced by T.
Protein change: p.Pro499Leu; replaces proline 499 with leucine.
Molecular consequence: missense variant. On other transcripts: intron variant (1).
Genome position (GRCh38, 1-based): chr2:112,559,458, C>T. VCF-style: chr2-112559458-C-T. GRCh37 (hg19) VCF-style: chr2-113317035-C-T.
Other names: c.1328C>T, p.Pro443Leu (NM_001137604.3, NM_032212.2); c.1610C>T, p.Pro537Leu (NM_001282772.2); c.863C>T, p.Pro288Leu (NM_001282776.2, NM_001371971.1); c.1079C>T, p.Pro360Leu (NM_001282777.2, NM_001282779.2, NM_001371970.1); c.1496C>T, p.Pro499Leu (NM_001371969.1); c.1159-4908C>T (NM_001282774.2); short protein forms P288L, P360L, P443L, P499L, P537L.
Identifiers: ClinVar variation 2444163 (VCV002444163.1), dbSNP rs2467610115, ClinGen allele CA348269844.
Genomic context (GRCh38, chr2:112,559,458, plus strand): 5'-CCAAGATGAGGACCACCACAGTACGCAGGCTGCTGCCAGAGTCCTGGGGCTTCCTTTGTC[C>T]CGTGCATACCCCAGACGGGGAGCCCTGTGGCCTGATGAACCACCTAACTGCCGTATGTGA-3'
Protein context (NP_061887.2, residues 489-509): LLPESWGFLC[Pro499Leu]VHTPDGEPCG